The following is an entry in ClinVar:

NM_005802.5(TOPORS):c.1408G>T (p.Asp470Tyr)

Gene: TOPORS (TOP1 binding arginine/serine rich protein, E3 ubiquitin ligase; minus strand). Cytogenetic location: 9p21.1.
Variant type: single nucleotide variant.
Coding change: c.1408G>T on transcript NM_005802.5 (MANE Select); coding-DNA position 1408, G replaced by T.
Protein change: p.Asp470Tyr; replaces aspartic acid 470 with tyrosine.
Molecular consequence: missense variant.
Genome position (GRCh38, 1-based): chr9:32,543,117, C>A on the plus strand (G>T on the coding strand, the complement: TOPORS is on the minus strand). VCF-style: chr9-32543117-C-A. GRCh37 (hg19) VCF-style: chr9-32543115-C-A.
Other names: c.1213G>T, p.Asp405Tyr (NM_001195622.2); c.1408G>T (NM_005802.4); short protein forms D405Y, D470Y.
Identifiers: ClinVar variation 1507795 (VCV001507795.7), dbSNP rs1486023763, ClinGen allele CA373170084.

ClinVar aggregate classification (germline): Uncertain significance. Review status: criteria provided, multiple submitters, no conflicts (2 of 4 stars). 2 submissions from 2 submitters: Uncertain significance (2). Last evaluated 2024-02-27.

Conditions:
Inborn genetic diseases. Identifiers: MedGen C0950123, MeSH D030342.

Allele frequency attached by ClinVar (database versions not stated): gnomAD exomes below 0.00001 and 0.00001.

Submissions (2):

Ambry Genetics
Classification: Uncertain significance for Inborn genetic diseases. Last evaluated: 2024-02-27. Review status: criteria provided, single submitter. Criteria: Ambry Variant Classification Scheme 2023. Collection method: clinical testing. Allele origin: germline.

Labcorp Genetics (formerly Invitae), Labcorp
Classification: Uncertain significance. Last evaluated: 2022-11-01. Review status: criteria provided, single submitter. Criteria: Invitae Variant Classification Sherloc (09022015). Collection method: clinical testing. Allele origin: germline.
Comment: Algorithms developed to predict the effect of missense changes on protein structure and function are either unavailable or do not agree on the potential impact of this missense change (SIFT: "Deleterious"; PolyPhen-2: "Probably Damaging"; Align-GVGD: "Class C0"). ClinVar contains an entry for this variant (Variation ID: 1507795). This variant has not been reported in the literature in individuals affected with TOPORS-related conditions. This variant is present in population databases (no rsID available, gnomAD no frequency). This sequence change replaces aspartic acid, which is acidic and polar, with tyrosine, which is neutral and polar, at codon 470 of the TOPORS protein (p.Asp470Tyr). In summary, the available evidence is currently insufficient to determine the role of this variant in disease. Therefore, it has been classified as a Variant of Uncertain Significance.